The following is an entry in ClinVar:

ClinVar aggregate classification (germline): Uncertain significance (1 of 4 stars; one submission).

Submission:

Mayo Clinic Laboratories, Mayo Clinic
Classification: Uncertain significance. Last evaluated: 2023-08-08. Review status: criteria provided, single submitter. Criteria: ACMG Guidelines, 2015. Collection method: clinical testing. Allele origin: germline. Observed: 1 variant allele.
Comment: PM2_moderate

NM_000069.3(CACNA1S):c.3653G>T (p.Gly1218Val)

Gene: CACNA1S (calcium voltage-gated channel subunit alpha1 S; minus strand). Cytogenetic location: 1q32.1.
Variant type: single nucleotide variant.
Coding change: c.3653G>T on transcript NM_000069.3 (MANE Select); coding-DNA position 3653, G replaced by T.
Protein change: p.Gly1218Val; replaces glycine 1218 with valine.
Molecular consequence: missense variant.
Genome position (GRCh38, 1-based): chr1:201,054,518, C>A on the plus strand (G>T on the coding strand, the complement: CACNA1S is on the minus strand). VCF-style: chr1-201054518-C-A. GRCh37 (hg19) VCF-style: chr1-201023646-C-A.
Other names: p.Gly1218Val; short protein forms G1218V.
Identifiers: ClinVar variation 3380516 (VCV003380516.1).